The following is an entry in ClinVar:

NM_000088.4(COL1A1):c.1732G>A (p.Gly578Ser)

Gene: COL1A1 (collagen type I alpha 1 chain; minus strand). Cytogenetic location: 17q21.33.
Variant type: single nucleotide variant.
Coding change: c.1732G>A on transcript NM_000088.4 (MANE Select); coding-DNA position 1732, G replaced by A.
Protein change: p.Gly578Ser; replaces glycine 578 with serine.
Molecular consequence: missense variant.
Genome position (GRCh38, 1-based): chr17:50,193,978, C>T on the plus strand (G>A on the coding strand, the complement: COL1A1 is on the minus strand). VCF-style: chr17-50193978-C-T. GRCh37 (hg19) VCF-style: chr17-48271339-C-T.
Other names: short protein forms G578S.
Identifiers: ClinVar variation 850646 (VCV000850646.12), dbSNP rs1907330109, ClinGen allele CA400215281.

ClinVar aggregate classification (germline): Likely pathogenic. Review status: criteria provided, multiple submitters, no conflicts (2 of 4 stars). 2 submissions from 2 submitters: Likely pathogenic (2). Last evaluated 2023-01-08.

Conditions:
Osteogenesis imperfecta type I (OI1). Also called: OI, TYPE I; OSTEOGENESIS IMPERFECTA TARDA; OSTEOGENESIS IMPERFECTA WITH BLUE SCLERAE; Osteogenesis imperfecta type 1; Lobstein disease; Classic Non-deforming Osteogenesis Imperfecta with Blue Sclerae. Identifiers: Orphanet 216796, Orphanet 666, MedGen C0023931, MONDO:0008146, OMIM 166200. Disease mechanism: loss of function.
Osteogenesis imperfecta (OI). Identifiers: Orphanet 666, MedGen C0029434, MeSH D010013, MONDO:0019019.

Submissions (2):

Women's Health and Genetics/Laboratory Corporation of America, LabCorp
Classification: Likely pathogenic for Osteogenesis imperfecta. Last evaluated: 2023-01-08. Review status: criteria provided, single submitter. Criteria: LabCorp Variant Classification Summary - May 2015. Collection method: clinical testing. Allele origin: germline.
Comment: Variant summary: COL1A1 c.1732G>A (p.Gly578Ser) results in a non-conservative amino acid change in a critical amino acid in the encoded protein sequence. Alterations of glycine residues within/near the collagen triple-helix in COL1A1 are common mechanisms of disease. Five of five in-silico tools predict a damaging effect of the variant on protein function. The variant was absent in 251380 control chromosomes (gnomAD). To our knowledge, no occurrence of c.1732G>A in individuals affected with Osteogenesis Imperfecta and no experimental evidence demonstrating its impact on protein function have been reported. One ClinVar submitter has assessed the variant since 2014: the variant was classified as likely pathogenic. Based on the evidence outlined above, the variant was classified as likely pathogenic.

Labcorp Genetics (formerly Invitae), Labcorp
Classification: Likely pathogenic for Osteogenesis imperfecta type I. Last evaluated: 2019-02-15. Review status: criteria provided, single submitter. Criteria: Invitae Variant Classification Sherloc (09022015). Collection method: clinical testing. Allele origin: germline.
Comment: Glycine residues within the Gly-Xaa-Yaa repeats of the triple helix domain are required for the structure and stability of fibrillar collagens (PMID: 7695699, 8218237, 19344236). In COL1A1, missense variants at these glycine residues are significantly enriched in individuals with disease (PMID: 9016532, 17078022) compared to the general population (ExAC). In summary, the currently available evidence indicates that the variant is pathogenic, but additional data are needed to prove that conclusively. Therefore, this variant has been classified as Likely Pathogenic. This variant has been reported in individuals in the Leiden Open-source Variation Database (PMID: 21520333).. This variant is not present in population databases (ExAC no frequency). This sequence change replaces glycine with serine at codon 578 of the COL1A1 protein (p.Gly578Ser). The glycine residue is highly conserved and there is a small physicochemical difference between glycine and serine.

Literature cited by the submitters: PubMed 7695699 (cited by Labcorp Genetics (formerly Invitae), Labcorp); PubMed 8218237 (cited by Labcorp Genetics (formerly Invitae), Labcorp); PubMed 19344236 (cited by Labcorp Genetics (formerly Invitae), Labcorp); PubMed 9016532 (cited by Labcorp Genetics (formerly Invitae), Labcorp); PubMed 17078022 (cited by Labcorp Genetics (formerly Invitae), Labcorp); PubMed 21520333 (cited by Labcorp Genetics (formerly Invitae), Labcorp).